The following is an entry in ClinVar:

ClinVar aggregate classification (germline): Uncertain significance (1 of 4 stars; one submission).

Submission:

GeneDx
Classification: Uncertain significance. Last evaluated: 2022-02-10. Review status: criteria provided, single submitter. Criteria: GeneDx Variant Classification Process June 2021. Collection method: clinical testing. Allele origin: germline. Affected: yes.
Comment: Has not been previously published as pathogenic or benign to our knowledge; Not observed at significant frequency in large population cohorts (gnomAD); In silico analysis supports that this missense variant has a deleterious effect on protein structure/function

NM_023110.3(FGFR1):c.2032A>G (p.Thr678Ala)

Gene: FGFR1 (fibroblast growth factor receptor 1; minus strand). Cytogenetic location: 8p11.23.
Variant type: single nucleotide variant.
Coding change: c.2032A>G on transcript NM_023110.3 (MANE Select); coding-DNA position 2032, A replaced by G.
Protein change: p.Thr678Ala; replaces threonine 678 with alanine.
Molecular consequence: missense variant.
Genome position (GRCh38, 1-based): chr8:38,414,575, T>C on the plus strand (A>G on the coding strand, the complement: FGFR1 is on the minus strand). VCF-style: chr8-38414575-T-C. GRCh37 (hg19) VCF-style: chr8-38272093-T-C.
Other names: c.2026A>G, p.Thr676Ala (NM_001174063.2, NM_001174065.2, NM_001354367.2 and 1 more transcripts); c.2002A>G, p.Thr668Ala (NM_001174064.2); c.1765A>G, p.Thr589Ala (NM_001174066.2, NM_023105.3); c.2125A>G, p.Thr709Ala (NM_001174067.2); c.1753A>G, p.Thr585Ala (NM_001354368.2); c.2020A>G, p.Thr674Ala (NM_001354369.2); c.1759A>G, p.Thr587Ala (NM_001354370.2, NM_023106.3); short protein forms T585A, T587A, T589A, T668A, T674A, T676A, T678A, T709A.
Identifiers: ClinVar variation 1703887 (VCV001703887.2), dbSNP rs2150549207, ClinGen allele CA370729455.